The following is an entry in ClinVar:

NM_018127.7(ELAC2):c.1147C>T (p.His383Tyr)

Gene: ELAC2 (elaC ribonuclease Z 2; minus strand). Cytogenetic location: 17p12.
Variant type: single nucleotide variant.
Coding change: c.1147C>T on transcript NM_018127.7 (MANE Select); coding-DNA position 1147, C replaced by T.
Protein change: p.His383Tyr; replaces histidine 383 with tyrosine.
Molecular consequence: missense variant.
Genome position (GRCh38, 1-based): chr17:13,002,512, G>A on the plus strand (C>T on the coding strand, the complement: ELAC2 is on the minus strand). VCF-style: chr17-13002512-G-A. GRCh37 (hg19) VCF-style: chr17-12905829-G-A.
Other names: c.1027C>T, p.His343Tyr (NM_001165962.2); c.1147C>T, p.His383Tyr (NM_173717.2); short protein forms H343Y, H383Y.
Identifiers: ClinVar variation 2197490 (VCV002197490.4), dbSNP rs187129692, ClinGen allele CA8401339.

ClinVar aggregate classification (germline): Uncertain significance (1 of 4 stars; one submission).

Conditions:
Combined oxidative phosphorylation defect type 17. Also called: Combined oxidative phosphorylation deficiency 17. Identifiers: Orphanet 369913, MedGen C3809526, MONDO:0014190, OMIM 615440.

Allele frequency attached by ClinVar (database versions not stated): ExAC 0.00003; 1000 Genomes Project 30x 0.00016.
gnomAD v4.1: 13 of 1,605,630 alleles (0.00081%); highest among the groups gnomAD compares: Non-Finnish European, 0.0011%; no homozygotes.

Submission:

Labcorp Genetics (formerly Invitae), Labcorp
Classification: Uncertain significance for Combined oxidative phosphorylation defect type 17. Last evaluated: 2023-05-08. Review status: criteria provided, single submitter. Criteria: Invitae Variant Classification Sherloc (09022015). Collection method: clinical testing. Allele origin: germline.
Comment: This sequence change replaces histidine, which is basic and polar, with tyrosine, which is neutral and polar, at codon 383 of the ELAC2 protein (p.His383Tyr). This variant is present in population databases (rs187129692, gnomAD 0.002%). This variant has not been reported in the literature in individuals affected with ELAC2-related conditions. ClinVar contains an entry for this variant (Variation ID: 2197490). Advanced modeling of protein sequence and biophysical properties (such as structural, functional, and spatial information, amino acid conservation, physicochemical variation, residue mobility, and thermodynamic stability) performed at Invitae indicates that this missense variant is not expected to disrupt ELAC2 protein function. In summary, the available evidence is currently insufficient to determine the role of this variant in disease. Therefore, it has been classified as a Variant of Uncertain Significance.